The following is an entry in ClinVar:

ClinVar aggregate classification (germline): Likely pathogenic (1 of 4 stars; one submission).

Allele frequency attached by ClinVar (database versions not stated): gnomAD exomes 0.00001.
gnomAD v4.1: 7 of 1,613,768 alleles (0.00043%); highest among the groups gnomAD compares: Non-Finnish European, 0.00059%; no homozygotes.

Submission:

Labcorp Genetics (formerly Invitae), Labcorp
Classification: Likely pathogenic. Last evaluated: 2022-06-30. Review status: criteria provided, single submitter. Criteria: Invitae Variant Classification Sherloc (09022015). Collection method: clinical testing. Allele origin: germline.
Comment: In summary, the currently available evidence indicates that the variant is pathogenic, but additional data are needed to prove that conclusively. Therefore, this variant has been classified as Likely Pathogenic. Algorithms developed to predict the effect of sequence changes on RNA splicing suggest that this variant may disrupt the consensus splice site. This variant has not been reported in the literature in individuals affected with IDH3A-related conditions. This variant is present in population databases (no rsID available, gnomAD 0.0009%). This sequence change affects a donor splice site in intron 6 of the IDH3A gene. It is expected to disrupt RNA splicing. Variants that disrupt the donor or acceptor splice site typically lead to a loss of protein function (PMID: 16199547), and loss-of-function variants in IDH3A are known to be pathogenic (PMID: 28412069).

Literature cited by the submitters: PubMed 16199547; PubMed 28412069.

NM_005530.3(IDH3A):c.611+2T>G

Gene: IDH3A (isocitrate dehydrogenase (NAD(+)) 3 catalytic subunit alpha; plus strand). Cytogenetic location: 15q25.1.
Variant type: single nucleotide variant.
Coding change: c.611+2T>G on transcript NM_005530.3 (MANE Select); the canonical splice donor site of the intron after coding-DNA position 611, T replaced by G.
Molecular consequence: splice donor variant.
Genome position (GRCh38, 1-based): chr15:78,162,369, T>G. VCF-style: chr15-78162369-T-G. GRCh37 (hg19) VCF-style: chr15-78454711-T-G.
Identifiers: ClinVar variation 2012441 (VCV002012441.4), dbSNP rs1384133905, ClinGen allele CA393543696.